The following is an entry in ClinVar:

NM_177438.3(DICER1):c.4919G>A (p.Gly1640Asp)

Gene: DICER1 (dicer 1, ribonuclease III; minus strand). Cytogenetic location: 14q32.13.
Variant type: single nucleotide variant.
Coding change: c.4919G>A on transcript NM_177438.3 (MANE Select); coding-DNA position 4919, G replaced by A.
Protein change: p.Gly1640Asp; replaces glycine 1640 with aspartic acid.
Molecular consequence: missense variant. On other transcripts: non-coding transcript variant (6).
Genome position (GRCh38, 1-based): chr14:95,096,001, C>T on the plus strand (G>A on the coding strand, the complement: DICER1 is on the minus strand). VCF-style: chr14-95096001-C-T. GRCh37 (hg19) VCF-style: chr14-95562338-C-T.
Other names: c.4919G>A, p.Gly1640Asp (NM_001195573.1, NM_001271282.3, NM_001291628.2 and 12 more transcripts); c.4514G>A, p.Gly1505Asp (NM_001395696.1, NM_001395687.1, NM_001395688.1 and 2 more transcripts); c.3236G>A, p.Gly1079Asp (NM_001395697.1); c.4637G>A, p.Gly1546Asp (NM_001395686.1); c.4352G>A, p.Gly1451Asp (NM_001395691.1); short protein forms G1505D, G1451D, G1640D, G1079D, G1546D.
Identifiers: ClinVar variation 4240482 (VCV004240482.1).

ClinVar aggregate classification (germline): Uncertain significance (1 of 4 stars; one submission).

Conditions:
Hereditary cancer-predisposing syndrome. Also called: Hereditary Cancer Syndrome; Hereditary neoplastic syndrome; Neoplastic Syndromes, Hereditary; Tumor predisposition. Identifiers: Orphanet 140162, MedGen C0027672, MeSH D009386, MONDO:0015356.

Submission:

Ambry Genetics
Classification: Uncertain significance for Hereditary cancer-predisposing syndrome. Last evaluated: 2025-07-14. Review status: criteria provided, single submitter. Criteria: Ambry Variant Classification Scheme 2023. Collection method: clinical testing. Allele origin: germline.
Comment: The p.G1640D variant (also known as c.4919G>A), located in coding exon 22 of the DICER1 gene, results from a G to A substitution at nucleotide position 4919. The glycine at codon 1640 is replaced by aspartic acid, an amino acid with similar properties. This amino acid position is conserved. In addition, this alteration is predicted to be deleterious by in silico analysis. Based on the available evidence, the clinical significance of this variant remains unclear.